The following is an entry in ClinVar:

NM_001395159.1(UNC79):c.7941C>G (p.Leu2647=)

Gene: UNC79 (unc-79 homolog, NALCN channel complex subunit; plus strand). Cytogenetic location: 14q32.12.
Variant type: single nucleotide variant.
Coding change: c.7941C>G on transcript NM_001395159.1 (MANE Select); coding-DNA position 7941, C replaced by G.
Protein change: p.Leu2647=; no amino-acid change (leucine 2647 retained).
Molecular consequence: synonymous variant.
Genome position (GRCh38, 1-based): chr14:93,706,721, C>G. VCF-style: chr14-93706721-C-G. GRCh37 (hg19) VCF-style: chr14-94173067-C-G.
Other names: c.7875C>G, p.Leu2625= (NM_001346218.2); c.7194C>G, p.Leu2398= (NM_020818.5).
Identifiers: ClinVar variation 3357038 (VCV003357038.1).

ClinVar aggregate classification (germline): Likely benign (0 of 4 stars; one submission).

Conditions:
UNC79-related disorder. Also called: UNC79-related condition.

gnomAD v4.1: 579 of 1,614,238 alleles (0.036%); highest among the groups gnomAD compares: African/African-American, 0.71%; 6 homozygotes.

Submission:

PreventionGenetics, part of Exact Sciences
Classification: Likely benign for UNC79-related condition. Last evaluated: 2024-08-15. Review status: no assertion criteria provided. Collection method: clinical testing. Allele origin: germline.
Comment: This variant is classified as likely benign based on ACMG/AMP sequence variant interpretation guidelines (Richards et al. 2015 PMID: 25741868, with internal and published modifications).